The following is an entry in ClinVar:

NM_001042492.3(NF1):c.5049C>G (p.Asn1683Lys)

Gene: NF1 (neurofibromin 1; plus strand). Cytogenetic location: 17q11.2.
Variant type: single nucleotide variant.
Coding change: c.5049C>G on transcript NM_001042492.3 (MANE Select); coding-DNA position 5049, C replaced by G.
Protein change: p.Asn1683Lys; replaces asparagine 1683 with lysine.
Molecular consequence: missense variant.
Genome position (GRCh38, 1-based): chr17:31,326,033, C>G. VCF-style: chr17-31326033-C-G. GRCh37 (hg19) VCF-style: chr17-29653051-C-G.
Other names: c.4986C>G, p.Asn1662Lys (NM_000267.4); short protein forms N1662K, N1683K.
Identifiers: ClinVar variation 655745 (VCV000655745.5), dbSNP rs140994965, ClinGen allele CA399007398.

ClinVar aggregate classification (germline): Pathogenic (1 of 4 stars; one submission).

Conditions:
Neurofibromatosis, type 1 (NF1). Also called: VON RECKLINGHAUSEN DISEASE; NEUROFIBROMATOSIS, TYPE I, SOMATIC; Peripheral type neurofibromatosis; Neurofibromatosis, type I. Identifiers: Orphanet 636, MedGen C0027831, MONDO:0018975, OMIM 162200. Disease mechanism: loss of function.

Submission:

Labcorp Genetics (formerly Invitae), Labcorp
Classification: Pathogenic for Neurofibromatosis, type 1. Last evaluated: 2025-08-07. Review status: criteria provided, single submitter. Criteria: Invitae Variant Classification Sherloc (09022015). Collection method: clinical testing. Allele origin: germline.
Comment: This sequence change replaces asparagine, which is neutral and polar, with lysine, which is basic and polar, at codon 1662 of the NF1 protein (p.Asn1662Lys). This variant is not present in population databases (gnomAD no frequency). This missense change has been observed in individual(s) with clinical features of neurofibromatosis type 1 (PMID: 24676943, 27322474; internal data). Invitae Evidence Modeling of clinical and family history, age, sex, and reported ancestry of multiple individuals with this NF1 variant has been performed. This variant is expected to be pathogenic with a positive predictive value of at least 99%. This is a validated machine learning model that incorporates the clinical features of 1,785,918 individuals referred to our laboratory for NF1 testing. ClinVar contains an entry for this variant (Variation ID: 655745). Invitae Evidence Modeling of protein sequence and biophysical properties (such as structural, functional, and spatial information, amino acid conservation, physicochemical variation, residue mobility, and thermodynamic stability) indicates that this missense variant is expected to disrupt NF1 protein function with a positive predictive value of 95%. Algorithms developed to predict the effect of sequence changes on RNA splicing suggest that this variant may create or strengthen a splice site. For these reasons, this variant has been classified as Pathogenic.

Literature cited by the submitters: PubMed 24676943; PubMed 27322474.